The following is an entry in ClinVar:

NM_033380.3(COL4A5):c.2974C>T (p.Gln992Ter)

Gene: COL4A5 (collagen type IV alpha 5 chain; plus strand). Cytogenetic location: Xq22.3.
Variant type: single nucleotide variant.
Coding change: c.2974C>T on transcript NM_033380.3 (MANE Select); coding-DNA position 2974, C replaced by T.
Protein change: p.Gln992Ter; replaces glutamine 992 with a stop codon.
Molecular consequence: nonsense.
Genome position (GRCh38, 1-based): chrX:108,624,292, C>T. VCF-style: chrX-108624292-C-T. GRCh37 (hg19) VCF-style: chrX-107867522-C-T.
Other names: c.2974C>T, p.Gln992Ter (NM_000495.5); short protein forms Q992*.
Identifiers: ClinVar variation 1300189 (VCV001300189.6), dbSNP rs2147869275, ClinGen allele CA413853436.

ClinVar aggregate classification (germline): Pathogenic. Review status: criteria provided, multiple submitters, no conflicts (2 of 4 stars). 2 submissions from 2 submitters: Pathogenic (2). Last evaluated 2022-09-27.

Conditions:
X-linked Alport syndrome (ATS1). Also called: NEPHROPATHY AND DEAFNESS, X-LINKED; COL4A5-Related Nephropathy. Identifiers: Orphanet 63, Orphanet 88917, MedGen C4746986, MONDO:0010520, OMIM 301050.

Submissions (2):

Labcorp Genetics (formerly Invitae), Labcorp
Classification: Pathogenic. Last evaluated: 2022-09-27. Review status: criteria provided, single submitter. Criteria: Invitae Variant Classification Sherloc (09022015). Collection method: clinical testing. Allele origin: germline.
Comment: For these reasons, this variant has been classified as Pathogenic. ClinVar contains an entry for this variant (Variation ID: 1300189). This variant has not been reported in the literature in individuals affected with COL4A5-related conditions. This variant is not present in population databases (gnomAD no frequency). This sequence change creates a premature translational stop signal (p.Gln992*) in the COL4A5 gene. It is expected to result in an absent or disrupted protein product. Loss-of-function variants in COL4A5 are known to be pathogenic (PMID: 9195222, 10752524, 14514738, 24854265, 26809805).

Institute of Medical Genetics and Applied Genomics, University Hospital Tübingen
Classification: Pathogenic for X-linked Alport syndrome. Last evaluated: 2021-10-21. Review status: criteria provided, single submitter. Criteria: ACMG Guidelines, 2015. Collection method: clinical testing. Allele origin: germline. Inheritance: X-linked dominant inheritance. Affected: yes.

Literature cited by the submitters: PubMed 9195222 (cited by Labcorp Genetics (formerly Invitae), Labcorp); PubMed 10752524 (cited by Labcorp Genetics (formerly Invitae), Labcorp); PubMed 14514738 (cited by Labcorp Genetics (formerly Invitae), Labcorp); PubMed 24854265 (cited by Labcorp Genetics (formerly Invitae), Labcorp); PubMed 26809805 (cited by Labcorp Genetics (formerly Invitae), Labcorp).